The following is an entry in ClinVar:

ClinVar aggregate classification (germline): Uncertain significance (1 of 4 stars; one submission).

Conditions:
Progressive sclerosing poliodystrophy (MTDPS4A). Also called: NEURONAL DEGENERATION OF CHILDHOOD WITH LIVER DISEASE, PROGRESSIVE; Alpers-Huttenlocher Syndrome (AHS); ALPERS PROGRESSIVE INFANTILE POLIODYSTROPHY; Mitochondrial DNA Depletion Syndrome 4A; Alpers Syndrome; ALPERS DIFFUSE DEGENERATION OF CEREBRAL GRAY MATTER WITH HEPATIC CIRRHOSIS. Identifiers: Orphanet 726, MedGen C0205710, MONDO:0008758, OMIM 203700.

gnomAD v4.1: 7 of 1,613,910 alleles (0.00043%); highest among the groups gnomAD compares: Non-Finnish European, 0.00059%; no homozygotes.

Submission:

Labcorp Genetics (formerly Invitae), Labcorp
Classification: Uncertain significance for Progressive sclerosing poliodystrophy. Last evaluated: 2025-08-31. Review status: criteria provided, single submitter. Criteria: Invitae Variant Classification Sherloc (09022015). Collection method: clinical testing. Allele origin: germline.
Comment: This sequence change replaces isoleucine, which is neutral and non-polar, with leucine, which is neutral and non-polar, at codon 1223 of the POLG protein (p.Ile1223Leu). This variant is not present in population databases (gnomAD no frequency). This variant has not been reported in the literature in individuals affected with POLG-related conditions. ClinVar contains an entry for this variant (Variation ID: 1062733). Invitae Evidence Modeling of protein sequence and biophysical properties (such as structural, functional, and spatial information, amino acid conservation, physicochemical variation, residue mobility, and thermodynamic stability) indicates that this missense variant is not expected to disrupt POLG protein function with a negative predictive value of 95%. In summary, the available evidence is currently insufficient to determine the role of this variant in disease. Therefore, it has been classified as a Variant of Uncertain Significance.

NM_002693.3(POLG):c.3667A>C (p.Ile1223Leu)

Genes: FANCI (FA complementation group I; plus strand), POLG (DNA polymerase gamma, catalytic subunit; minus strand). Cytogenetic location: 15q26.1.
Variant type: single nucleotide variant.
Coding change: c.3667A>C on transcript NM_002693.3 (MANE Select); coding-DNA position 3667, A replaced by C.
Protein change: p.Ile1223Leu; replaces isoleucine 1223 with leucine.
Molecular consequence: missense variant. On other transcripts: 3 prime UTR variant (4).
Genome position (GRCh38, 1-based): chr15:89,316,804, T>G on the plus strand (A>C on the coding strand, the complement: POLG is on the minus strand). VCF-style: chr15-89316804-T-G. GRCh37 (hg19) VCF-style: chr15-89860035-T-G.
Other names: c.3667A>C, p.Ile1223Leu (NM_001126131.2); c.*345T>G (NM_001113378.2, NM_001376910.1, NM_001376911.1 and 1 more transcripts); short protein forms I1223L.
Identifiers: ClinVar variation 1062733 (VCV001062733.8), dbSNP rs148786642, ClinGen allele CA393746978.